The following is an entry in ClinVar:

NM_006343.3(MERTK):c.592C>T (p.His198Tyr)

Gene: MERTK (MER proto-oncogene, tyrosine kinase; plus strand). Cytogenetic location: 2q13.
Variant type: single nucleotide variant.
Coding change: c.592C>T on transcript NM_006343.3 (MANE Select); coding-DNA position 592, C replaced by T.
Protein change: p.His198Tyr; replaces histidine 198 with tyrosine.
Molecular consequence: missense variant.
Genome position (GRCh38, 1-based): chr2:111,947,402, C>T. VCF-style: chr2-111947402-C-T. GRCh37 (hg19) VCF-style: chr2-112704979-C-T.
Other names: short protein forms H198Y.
Identifiers: ClinVar variation 1496418 (VCV001496418.8), dbSNP rs770809648, ClinGen allele CA1831111.

ClinVar aggregate classification (germline): Uncertain significance (1 of 4 stars; one submission).

Allele frequency attached by ClinVar (database versions not stated): TOPMed below 0.00001; ExAC 0.00001; gnomAD 0.00001; gnomAD exomes 0.00001.

Submission:

Labcorp Genetics (formerly Invitae), Labcorp
Classification: Uncertain significance. Last evaluated: 2021-04-17. Review status: criteria provided, single submitter. Criteria: Invitae Variant Classification Sherloc (09022015). Collection method: clinical testing. Allele origin: germline.
Comment: In summary, the available evidence is currently insufficient to determine the role of this variant in disease. Therefore, it has been classified as a Variant of Uncertain Significance. Algorithms developed to predict the effect of missense changes on protein structure and function output the following: SIFT: "Tolerated"; PolyPhen-2: "Benign"; Align-GVGD: "Class C0". The tyrosine amino acid residue is found in multiple mammalian species, suggesting that this missense change does not adversely affect protein function. These predictions have not been confirmed by published functional studies and their clinical significance is uncertain. This sequence change replaces histidine with tyrosine at codon 198 of the MERTK protein (p.His198Tyr). The histidine residue is moderately conserved and there is a moderate physicochemical difference between histidine and tyrosine. This variant is present in population databases (rs770809648, ExAC 0.01%). This variant has not been reported in the literature in individuals with MERTK-related conditions.